The following is an entry in ClinVar:

NM_000179.3(MSH6):c.540T>C (p.Asp180=)

Gene: MSH6 (mutS homolog 6; plus strand). Cytogenetic location: 2p16.3.
Variant type: single nucleotide variant.
Coding change: c.540T>C on transcript NM_000179.3 (MANE Select); coding-DNA position 540, T replaced by C.
Protein change: p.Asp180=; no amino-acid change (aspartic acid 180 retained).
Molecular consequence: synonymous variant. On other transcripts: 5 prime UTR variant (1), intron variant (2).
Genome position (GRCh38, 1-based): chr2:47,795,976, T>C. VCF-style: chr2-47795976-T-C. GRCh37 (hg19) VCF-style: chr2-48023115-T-C.
Other names: c.-363T>C (NM_001281494.2); c.-279-2635T>C (NM_001281493.2); c.238-2635T>C (NM_001281492.2).
Identifiers: ClinVar variation 36597 (VCV000036597.58), dbSNP rs1800935, ClinGen allele CA015831.

ClinVar aggregate classification (germline): Benign. Review status: reviewed by expert panel (3 of 4 stars). 25 submissions from 25 submitters: Benign (1). 24 of the submissions do not count toward it. Last evaluated 2013-09-05.

Conditions:
Hereditary nonpolyposis colorectal neoplasms. Identifiers: MedGen C0009405, MeSH D003123.
Mismatch repair cancer syndrome 3. Identifiers: MedGen C5436807, MONDO:0030841, OMIM 619097.
Lynch syndrome 5 (LYNCH5). Also called: Colorectal cancer, hereditary nonpolyposis, type 5; Hereditary non-polyposis colorectal cancer, type 5. Identifiers: Orphanet 144, MedGen C1833477, MONDO:0013710, OMIM 614350. Disease mechanism: loss of function.
Endometrial carcinoma. Also called: Endometrial carcinoma, somatic. Identifiers: MedGen C0476089, MONDO:0002447, OMIM 608089, HP:0012114.
Hereditary cancer-predisposing syndrome. Also called: Neoplastic Syndromes, Hereditary; Hereditary neoplastic syndrome; Tumor predisposition; Hereditary Cancer Syndrome. Identifiers: Orphanet 140162, MedGen C0027672, MeSH D009386, MONDO:0015356.
Lynch syndrome. Identifiers: Orphanet 144, MedGen C4552100, MONDO:0005835. Disease mechanism: loss of function.

Allele frequency attached by ClinVar (database versions not stated): 1000 Genomes Project 0.13518; 1000 Genomes Project 30x 0.13773; gnomAD exomes 0.21298 and 0.26907; ExAC 0.21442; TOPMed 0.22547; gnomAD 0.23118 and 0.23857; ESP Exome Variant Server 0.25065.
gnomAD v4.1: 426,829 of 1,613,852 alleles (26%); highest among the groups gnomAD compares: Non-Finnish European, 30%; 61,405 homozygotes.

Submissions (25):

International Society for Gastrointestinal Hereditary Tumours (InSiGHT)
Classification: Benign for Lynch Syndrome. Last evaluated: 2013-09-05. Review status: reviewed by expert panel. Criteria: Guidelines v1.9. Collection method: research. Allele origin: germline.
Comment: MAF >1%

Classified with v1.9 guidelines
ClinVar note: Converted during submission from no known pathogenicity to Benign.

Labcorp Genetics (formerly Invitae), Labcorp
Classification: Benign for Hereditary nonpolyposis colorectal neoplasms. Last evaluated: 2026-02-04. Review status: criteria provided, single submitter. Criteria: Invitae Variant Classification Sherloc (09022015). Collection method: clinical testing. Allele origin: germline. Not counted in ClinVar's aggregate classification.

ARUP Laboratories, Molecular Genetics and Genomics, ARUP Laboratories
Classification: Benign. Last evaluated: 2025-07-31. Review status: criteria provided, single submitter. Criteria: ARUP Molecular Germline Variant Investigation Process 2024. Collection method: clinical testing. Allele origin: germline. Not counted in ClinVar's aggregate classification.

GeneKor MSA
Classification: Benign for Hereditary cancer-predisposing syndrome. Last evaluated: 2025-07-10. Review status: criteria provided, single submitter. Criteria: ACMG Guidelines, 2015. Collection method: clinical testing. Allele origin: germline. Not counted in ClinVar's aggregate classification.

Myriad Genetics, Inc.
Classification: Benign for Lynch syndrome 5. Last evaluated: 2024-12-19. Review status: criteria provided, single submitter. Criteria: Myriad Autosomal Dominant, Autosomal Recessive and X-Linked Classification Criteria (2023). Collection method: clinical testing. Allele origin: unknown. Not counted in ClinVar's aggregate classification.
Comment: This variant is considered benign. This variant is a silent/synonymous amino acid change and it is not expected to impact splicing.

Blueprint Genetics
Classification: Benign. Last evaluated: 2024-11-26. Review status: criteria provided, single submitter. Criteria: ACMG Guidelines, 2015. Collection method: clinical testing. Allele origin: germline. Not counted in ClinVar's aggregate classification.

Unidad de Genómica Garrahan, Hospital de Pediatría Garrahan
Classification: Benign. Last evaluated: 2024-01-24. Review status: criteria provided, single submitter. Criteria: ACMG Guidelines, 2015. Collection method: clinical testing. Allele origin: germline. Affected: no. Observed: 36 variant alleles. Not counted in ClinVar's aggregate classification.
Comment: This variant is classified as Benign based on local population frequency. This variant was detected in 38% of patients studied by a panel of primary immunodeficiencies. Number of patients: 36. Only high quality variants are reported.

KCCC/NGS Laboratory, Kuwait Cancer Control Center
Classification: Benign for Lynch syndrome 5. Last evaluated: 2023-07-07. Review status: criteria provided, single submitter. Criteria: ACMG Guidelines, 2015. Collection method: clinical testing. Allele origin: germline. Affected: yes. Not counted in ClinVar's aggregate classification.

Fulgent Genetics
Classification: Benign for Endometrial carcinoma; Lynch syndrome 5; Mismatch repair cancer syndrome 3. Last evaluated: 2021-07-19. Review status: criteria provided, single submitter. Criteria: ACMG Guidelines, 2015. Collection method: clinical testing. Allele origin: unknown. Not counted in ClinVar's aggregate classification.

Illumina Laboratory Services, Illumina
Classification: Benign for Lynch syndrome 5. Last evaluated: 2018-01-13. Review status: criteria provided, single submitter. Criteria: ICSL Variant Classification Criteria 13 December 2019. Collection method: clinical testing. Allele origin: germline. Not counted in ClinVar's aggregate classification.
Comment: This variant was observed in the ICSL laboratory as part of a predisposition screen in an ostensibly healthy population. It had not been previously curated by ICSL or reported in the Human Gene Mutation Database (HGMD: prior to June 1st, 2018), and was therefore a candidate for classification through an automated scoring system. Utilizing variant allele frequency, disease prevalence and penetrance estimates, and inheritance mode, an automated score was calculated to assess if this variant is too frequent to cause the disease. Based on the score and internal cut-off values, a variant classified as benign is not then subjected to further curation. The score for this variant resulted in a classification of benign for this disease.

Clinical Genetics DNA and cytogenetics Diagnostics Lab, Erasmus MC, Erasmus Medical Center
Classification: Benign for Lynch syndrome 5. Last evaluated: 2015-09-21. Review status: criteria provided, single submitter. Criteria: ACGS Guidelines, 2013. Collection method: clinical testing. Allele origin: germline. Affected: yes. Study: VKGL Data-share Consensus. Not counted in ClinVar's aggregate classification.

Eurofins Ntd Llc (ga)
Classification: Benign. Last evaluated: 2015-05-27. Review status: criteria provided, single submitter. Criteria: EGL Classification Definitions 2015. Collection method: clinical testing. Allele origin: germline. Observed: 23 variant alleles, 22 heterozygotes, 1 homozygote. Not counted in ClinVar's aggregate classification.

Color Diagnostics, LLC DBA Color Health
Classification: Benign for Hereditary cancer-predisposing syndrome. Last evaluated: 2015-03-31. Review status: criteria provided, single submitter. Criteria: ACMG Guidelines, 2015. Collection method: clinical testing. Allele origin: germline. Not counted in ClinVar's aggregate classification.

GeneDx
Classification: Benign. Last evaluated: 2015-03-03. Review status: criteria provided, single submitter. Criteria: GeneDx Variant Classification Process June 2021. Collection method: clinical testing. Allele origin: germline. Affected: yes. Not counted in ClinVar's aggregate classification.

Ambry Genetics
Classification: Benign for Hereditary cancer-predisposing syndrome. Last evaluated: 2014-11-07. Review status: criteria provided, single submitter. Criteria: Ambry Variant Classification Scheme 2023. Collection method: clinical testing. Allele origin: germline. Not counted in ClinVar's aggregate classification.

Women's Health and Genetics/Laboratory Corporation of America, LabCorp
Classification: Benign for Hereditary non-polyposis colon cancer. Last evaluated: 2011-08-18. Review status: criteria provided, single submitter. Criteria: LabCorp Variant Classification Summary - May 2015. Collection method: curation, clinical testing. Allele origin: germline. Inheritance: autosomal unknown. Affected: yes. Not counted in ClinVar's aggregate classification.
ClinVar note: Converted during submission from benign to Benign.

Breakthrough Genomics
Classification: Benign. Review status: criteria provided, single submitter. Criteria: ACMG Guidelines, 2015. Collection method: not provided. Allele origin: germline. Inheritance: Autosomal recessive inheritance. Affected: yes. Not counted in ClinVar's aggregate classification.

PreventionGenetics, part of Exact Sciences
Classification: Benign. Review status: criteria provided, single submitter. Criteria: ACMG Guidelines, 2015. Collection method: clinical testing. Allele origin: germline. Not counted in ClinVar's aggregate classification.

Laboratory for Molecular Medicine, Mass General Brigham Personalized Medicine
Classification: Benign. Last evaluated: 2008-07-10. Review status: no assertion criteria provided. Collection method: clinical testing. Allele origin: germline. Observed: 5 variant alleles. Not counted in ClinVar's aggregate classification.

Clinical Genetics Laboratory, Department of Pathology, Netherlands Cancer Institute
Classification: Benign. Review status: no assertion criteria provided. Collection method: clinical testing. Allele origin: germline. Affected: yes. Study: VKGL Data-share Consensus. Not counted in ClinVar's aggregate classification.

Clinical Genetics, Academic Medical Center
Classification: Benign. Review status: no assertion criteria provided. Collection method: clinical testing. Allele origin: germline. Affected: yes. Study: VKGL Data-share Consensus. Not counted in ClinVar's aggregate classification.

Department of Pathology and Laboratory Medicine, Sinai Health System
Classification: Benign. Review status: no assertion criteria provided. Collection method: clinical testing. Allele origin: unknown. Affected: yes. Study: The Canadian Open Genetics Repository (COGR). Not counted in ClinVar's aggregate classification.

Diagnostic Laboratory, Department of Genetics, University Medical Center Groningen
Classification: Benign for Lynch syndrome 5. Review status: no assertion criteria provided. Collection method: clinical testing. Allele origin: germline. Affected: yes. Study: VKGL Data-share Consensus. Not counted in ClinVar's aggregate classification.

Joint Genome Diagnostic Labs from Nijmegen and Maastricht, Radboudumc and MUMC+
Classification: Benign. Review status: no assertion criteria provided. Collection method: clinical testing. Allele origin: germline. Affected: yes. Study: VKGL Data-share Consensus. Not counted in ClinVar's aggregate classification.

Mayo Clinic Laboratories, Mayo Clinic
Classification: Benign. Review status: no assertion criteria provided. Collection method: clinical testing. Allele origin: unknown. Not counted in ClinVar's aggregate classification.

Literature cited by the submitters: PubMed 15805151 (cited by Women's Health and Genetics/Laboratory Corporation of America, LabCorp); PubMed 17661183 (cited by Laboratory for Molecular Medicine, Mass General Brigham Personalized Medicine); PubMed 10537275 (cited by Laboratory for Molecular Medicine, Mass General Brigham Personalized Medicine); PubMed 16270383 (cited by Laboratory for Molecular Medicine, Mass General Brigham Personalized Medicine).